The following is an entry in ClinVar:

ClinVar aggregate classification (germline): Uncertain significance (1 of 4 stars; one submission).

gnomAD v4.1: 2 of 1,613,946 alleles (0.00012%); highest among the groups gnomAD compares: Non-Finnish European, 0.00017%; no homozygotes.

Submission:

Mayo Clinic Laboratories, Mayo Clinic
Classification: Uncertain significance. Last evaluated: 2024-12-06. Review status: criteria provided, single submitter. Criteria: ACMG Guidelines, 2015. Collection method: clinical testing. Allele origin: germline. Observed: 3 variant alleles.
Comment: BP4, PM2_supporting

NM_000288.4(PEX7):c.200A>G (p.Asn67Ser)

Gene: PEX7 (peroxisomal biogenesis factor 7; plus strand). Cytogenetic location: 6q23.3.
Variant type: single nucleotide variant.
Coding change: c.200A>G on transcript NM_000288.4 (MANE Select); coding-DNA position 200, A replaced by G.
Protein change: p.Asn67Ser; replaces asparagine 67 with serine.
Molecular consequence: missense variant.
Genome position (GRCh38, 1-based): chr6:136,826,330, A>G. VCF-style: chr6-136826330-A-G. GRCh37 (hg19) VCF-style: chr6-137147468-A-G.
Other names: p.Asn67Ser; c.86A>G, p.Asn29Ser (NM_001410945.1); short protein forms N29S, N67S.
Identifiers: ClinVar variation 3379716 (VCV003379716.2).
Genomic context (GRCh38, chr6:136,826,330, plus strand): 5'-GCCTATGTAAGTGTTGTATTTTTTTGTTGTTTGTTTTTTCCTAGTGTAGCTTTGACTGGA[A>G]TGATGGTTTGTTTGATGTGACTTGGAGTGAGAACAACGAACATGTCCTCATCACCTGTAG-3'
Protein context (NP_000279.1, residues 57-77): GLRLFRSFDW[Asn67Ser]DGLFDVTWSE